The following is an entry in ClinVar:

NM_138927.4(SON):c.4098C>A (p.Thr1366=)

Gene: SON (SON DNA and RNA binding protein; plus strand). Cytogenetic location: 21q22.11.
Variant type: single nucleotide variant.
Coding change: c.4098C>A on transcript NM_138927.4 (MANE Select); coding-DNA position 4098, C replaced by A.
Protein change: p.Thr1366=; no amino-acid change (threonine 1366 retained).
Molecular consequence: synonymous variant. On other transcripts: non-coding transcript variant (1), intron variant (1).
Genome position (GRCh38, 1-based): chr21:33,553,329, C>A. VCF-style: chr21-33553329-C-A. GRCh37 (hg19) VCF-style: chr21-34925635-C-A.
Other names: c.4098C>A, p.Thr1366= (NM_001291411.2, NM_001412133.1, NM_032195.3 and 2 more transcripts); c.245-3827C>A (NM_001291412.3).
Identifiers: ClinVar variation 2652615 (VCV002652615.24), dbSNP rs550454473, ClinGen allele CA512338151.
Genomic context (GRCh38, chr21:33,553,329, plus strand): 5'-GCCAGCCATGGCTGCCCCAGAGTCTTCAGCTATGGCTGTCCTGGAGTCTTCGGCTGTGAC[C>A]GTCCTGGAGTCTTCGACTGTGACTGTCCTGGAGTCTTCGACTGTAACTGTCCTGGAGCCT-3'
Protein context (NP_620305.3, residues 1356-1376): AMAVLESSAV[Thr1366=]VLESSTVTVL

ClinVar aggregate classification (germline): Likely benign (1 of 4 stars; one submission).

gnomAD v4.1: 1 of 1,601,710 alleles (0.000062%); highest among the groups gnomAD compares: Non-Finnish European, 0.000085%; no homozygotes.

Submission:

CeGaT Center for Human Genetics Tuebingen
Classification: Likely benign. Last evaluated: 2022-08-01. Review status: criteria provided, single submitter. Criteria: CeGaT Center For Human Genetics Tuebingen Variant Classification Criteria Version 2. Collection method: clinical testing. Allele origin: germline. Affected: yes. Observed: 1 variant allele.
Comment: SON: BP4, BP7